The following is an entry in ClinVar:

NM_024928.5(STN1):c.226G>A (p.Gly76Arg)

Gene: STN1 (STN1 subunit of CST complex; minus strand). Cytogenetic location: 10q24.33.
Variant type: single nucleotide variant.
Coding change: c.226G>A on transcript NM_024928.5 (MANE Select); coding-DNA position 226, G replaced by A.
Protein change: p.Gly76Arg; replaces glycine 76 with arginine.
Molecular consequence: missense variant.
Genome position (GRCh38, 1-based): chr10:103,910,530, C>T on the plus strand (G>A on the coding strand, the complement: STN1 is on the minus strand). VCF-style: chr10-103910530-C-T. GRCh37 (hg19) VCF-style: chr10-105670288-C-T.
Other names: short protein forms G76R.
Identifiers: ClinVar variation 2009223 (VCV002009223.4), dbSNP rs942352319, ClinGen allele CA378049463.

ClinVar aggregate classification (germline): Uncertain significance (1 of 4 stars; one submission).

Submission:

Labcorp Genetics (formerly Invitae), Labcorp
Classification: Uncertain significance. Last evaluated: 2023-05-08. Review status: criteria provided, single submitter. Criteria: Invitae Variant Classification Sherloc (09022015). Collection method: clinical testing. Allele origin: germline.
Comment: Advanced modeling of protein sequence and biophysical properties (such as structural, functional, and spatial information, amino acid conservation, physicochemical variation, residue mobility, and thermodynamic stability) performed at Invitae indicates that this missense variant is expected to disrupt STN1 protein function. In summary, the available evidence is currently insufficient to determine the role of this variant in disease. Therefore, it has been classified as a Variant of Uncertain Significance. ClinVar contains an entry for this variant (Variation ID: 2009223). This variant has not been reported in the literature in individuals affected with STN1-related conditions. This variant is not present in population databases (gnomAD no frequency). This sequence change replaces glycine, which is neutral and non-polar, with arginine, which is basic and polar, at codon 76 of the STN1 protein (p.Gly76Arg).